The following is an entry in ClinVar:

ClinVar aggregate classification (germline): Uncertain significance (1 of 4 stars; one submission).

Conditions:
Xeroderma pigmentosum, group F (XPF). Also called: XERODERMA PIGMENTOSUM, COMPLEMENTATION GROUP F; XERODERMA PIGMENTOSUM VI; XP, GROUP F; ERCC4-Related Xeroderma Pigmentosum; XERODERMA PIGMENTOSUM, TYPE F; Xeroderma pigmentosum, type 6. Identifiers: MedGen C0268140, MONDO:0010215, OMIM 278760.

Submission:

St. Jude Molecular Pathology, St. Jude Children's Research Hospital
Classification: Uncertain significance for Xeroderma pigmentosum, group F. Last evaluated: 2022-06-20. Review status: criteria provided, single submitter. Criteria: St. Jude Assertion Criteria 2020. Collection method: clinical testing. Allele origin: germline.
Comment: The ERCC4 c.194A>T (p.Gln65Leu) missense change is absent in gnomAD v2.1.1. The in silico tool REVEL predicts a benign effect on protein function, but to our knowledge this prediction has not been confirmed by functional studies. To our knowledge, this variant has not been reported in individuals with Fanconi anemia or Xeroderma pigmentosum. In summary, the evidence currently available is insufficient to determine the role of this variant in disease. It has therefore been classified as of uncertain significance.

NM_005236.3(ERCC4):c.194A>T (p.Gln65Leu)

Gene: ERCC4 (ERCC excision repair 4, endonuclease catalytic subunit; plus strand). Cytogenetic location: 16p13.12.
Variant type: single nucleotide variant.
Coding change: c.194A>T on transcript NM_005236.3 (MANE Select); coding-DNA position 194, A replaced by T.
Protein change: p.Gln65Leu; replaces glutamine 65 with leucine.
Molecular consequence: missense variant.
Genome position (GRCh38, 1-based): chr16:13,920,359, A>T. VCF-style: chr16-13920359-A-T. GRCh37 (hg19) VCF-style: chr16-14014216-A-T.
Other names: short protein forms Q65L.
Identifiers: ClinVar variation 1710944 (VCV001710944.1), dbSNP rs2543161539, ClinGen allele CA394816591.